The following is an entry in ClinVar:

ClinVar aggregate classification (germline): Uncertain significance. Review status: criteria provided, single submitter (1 of 4 stars). 2 submissions from 2 submitters: Uncertain significance (1). 1 of the submissions does not count toward it. Last evaluated 2026-02-24.

Conditions:
Developmental delay with variable intellectual disability and dysmorphic facies. Identifiers: MedGen C5774242, MONDO:0859306, OMIM 620098.

gnomAD v4.1: 3 of 1,572,484 alleles (0.00019%); highest among the groups gnomAD compares: Non-Finnish European, 0.00026%; no homozygotes.

Submissions (2):

GeneDx
Classification: Uncertain significance. Last evaluated: 2026-02-24. Review status: criteria provided, single submitter. Criteria: GeneDx Variant Classification Process June 2021. Collection method: clinical testing. Allele origin: germline.
Comment: Not observed at significant frequency in large population cohorts (gnomAD); In silico analysis supports that this missense variant has a deleterious effect on protein structure/function; Has not been previously published as pathogenic or benign to our knowledge

Clinical Genetics Laboratory, University Hospital Schleswig-Holstein
Classification: Uncertain significance for Developmental delay with variable intellectual disability and dysmorphic facies. Last evaluated: 2023-11-07. Review status: no assertion criteria provided. Collection method: clinical testing. Allele origin: germline. Affected: yes. Not counted in ClinVar's aggregate classification.

NM_004973.4(JARID2):c.3287G>A (p.Arg1096His)

Gene: JARID2 (jumonji and AT-rich interaction domain containing 2; plus strand). Cytogenetic location: 6p22.3.
Variant type: single nucleotide variant.
Coding change: c.3287G>A on transcript NM_004973.4 (MANE Select); coding-DNA position 3287, G replaced by A.
Protein change: p.Arg1096His; replaces arginine 1096 with histidine.
Molecular consequence: missense variant.
Genome position (GRCh38, 1-based): chr6:15,513,259, G>A. VCF-style: chr6-15513259-G-A. GRCh37 (hg19) VCF-style: chr6-15513490-G-A.
Other names: c.2771G>A, p.Arg924His (NM_001267040.1); c.3287G>A (NM_004973.3); short protein forms R1096H, R924H.
Identifiers: ClinVar variation 4081920 (VCV004081920.2).